The following is an entry in ClinVar:

ClinVar aggregate classification (germline): Uncertain significance (1 of 4 stars; one submission).

Conditions:
Tumor predisposition syndrome 3 (TPDS3). Also called: LONG TELOMERE SYNDROME, POT1-RELATED; POT1 Tumor Predisposition; Glioma susceptibility 9; Melanoma, cutaneous malignant, susceptibility to, 10. Identifiers: Orphanet 618, MedGen C4014476, MONDO:0014368, OMIM 615848.

Submission:

Labcorp Genetics (formerly Invitae), Labcorp
Classification: Uncertain significance for Tumor predisposition syndrome 3. Last evaluated: 2021-10-18. Review status: criteria provided, single submitter. Criteria: Invitae Variant Classification Sherloc (09022015). Collection method: clinical testing. Allele origin: germline.
Comment: In summary, the available evidence is currently insufficient to determine the role of this variant in disease. Therefore, it has been classified as a Variant of Uncertain Significance. Variants that disrupt the consensus splice site are a relatively common cause of aberrant splicing (PMID: 17576681, 9536098). Algorithms developed to predict the effect of sequence changes on RNA splicing suggest that this variant may disrupt the consensus splice site. This variant has not been reported in the literature in individuals affected with POT1-related conditions. This variant is not present in population databases (gnomAD no frequency). This sequence change falls in intron 10 of the POT1 gene. It does not directly change the encoded amino acid sequence of the POT1 protein. It affects a nucleotide within the consensus splice site.

Literature cited by the submitters: PubMed 17576681; PubMed 9536098.

NM_015450.3(POT1):c.869+4A>T

Gene: POT1 (protection of telomeres 1; minus strand). Cytogenetic location: 7q31.33.
Variant type: single nucleotide variant.
Coding change: c.869+4A>T on transcript NM_015450.3 (MANE Select); 4 bases into the intron after coding-DNA position 869, A replaced by T.
Molecular consequence: intron variant.
Genome position (GRCh38, 1-based): chr7:124,852,968, T>A on the plus strand (A>T on the coding strand, the complement: POT1 is on the minus strand). VCF-style: chr7-124852968-T-A. GRCh37 (hg19) VCF-style: chr7-124493022-T-A.
Other names: c.476+4A>T (NM_001042594.2).
Identifiers: ClinVar variation 1449755 (VCV001449755.6), dbSNP rs2116504239, ClinGen allele CA2573141562.